The following is an entry in ClinVar:

ClinVar aggregate classification (germline): Pathogenic (1 of 4 stars; one submission).

Submission:

Labcorp Genetics (formerly Invitae), Labcorp
Classification: Pathogenic. Last evaluated: 2022-02-04. Review status: criteria provided, single submitter. Criteria: Invitae Variant Classification Sherloc (09022015). Collection method: clinical testing. Allele origin: germline.
Comment: For these reasons, this variant has been classified as Pathogenic. ClinVar contains an entry for this variant (Variation ID: 1074884). This variant has not been reported in the literature in individuals affected with XPC-related conditions. This variant is not present in population databases (gnomAD no frequency). This sequence change creates a premature translational stop signal (p.Arg485Glnfs*9) in the XPC gene. It is expected to result in an absent or disrupted protein product. Loss-of-function variants in XPC are known to be pathogenic (PMID: 23173980, 25256075).

Literature cited by the submitters: PubMed 23173980; PubMed 25256075.

NM_004628.5(XPC):c.1452dup (p.Arg485fs)

Gene: XPC (XPC complex subunit, DNA damage recognition and repair factor; minus strand). Cytogenetic location: 3p25.1.
Variant type: Duplication.
Coding change: c.1452dup on transcript NM_004628.5 (MANE Select); coding-DNA position 1452, one base duplicated (C; older notation c.1452dupC).
Protein change: p.Arg485fs; shifts the reading frame from arginine 485.
Molecular consequence: frameshift variant. On other transcripts: non-coding transcript variant (2).
Genome position (GRCh38, 1-based): chr3:14,158,431, G duplicated on the plus strand (C on the coding strand, the reverse complement: XPC is on the minus strand); the first of 2 consecutive G bases (chr3:14,158,431-14,158,432); duplicating either gives the same sequence. VCF-style (leftmost placement, unchanged base first): chr3-14158430-T-TG. GRCh37 (hg19) VCF-style: chr3-14199930-T-TG.
Other names: c.873dup, p.Arg292fs (NM_001354726.2); c.1452dup, p.Arg485fs (NM_001354727.2, NM_001354730.2); c.1434dup, p.Arg479fs (NM_001354729.2); short protein forms R292fs, R479fs, R485fs.
Identifiers: ClinVar variation 1074884 (VCV001074884.7), dbSNP rs2125025539, ClinGen allele CA2499216527.